The following is an entry in ClinVar:

ClinVar aggregate classification (germline): Pathogenic. Review status: criteria provided, multiple submitters, no conflicts (2 of 4 stars). 2 submissions from 2 submitters: Pathogenic (2). Last evaluated 2023-11-17.

Conditions:
Biotin-responsive basal ganglia disease (BTBGD). Also called: Thiamine metabolism dysfunction syndrome type 2; THIAMINE METABOLISM DYSFUNCTION SYNDROME 2 (BIOTIN- AND THIAMINE-RESPONSIVE TYPE); thiamine-responsive encephalopathy; Thiamine Transporter-2 Deficiency; Thiamine metabolism dysfunction syndrome 2 (biotin- or thiamine-responsive encephalopathy type 2). Identifiers: Orphanet 199348, Orphanet 65284, MedGen C1843807, MONDO:0011841, OMIM 607483.

Allele frequency attached by ClinVar (database versions not stated): gnomAD 0.00005 and 0.00006; gnomAD exomes 0.00008 and 0.00011; ExAC 0.00009.
gnomAD v4.1: 73 of 1,614,060 alleles (0.0045%); highest among the groups gnomAD compares: Non-Finnish European, 0.00034%; no homozygotes.

Submissions (2):

Labcorp Genetics (formerly Invitae), Labcorp
Classification: Pathogenic for Biotin-responsive basal ganglia disease. Last evaluated: 2023-11-17. Review status: criteria provided, single submitter. Criteria: Invitae Variant Classification Sherloc (09022015). Collection method: clinical testing. Allele origin: germline.
Comment: This sequence change replaces serine, which is neutral and polar, with proline, which is neutral and non-polar, at codon 181 of the SLC19A3 protein (p.Ser181Pro). This variant is present in population databases (rs773971505, gnomAD 0.07%). This missense change has been observed in individual(s) with clinical features of biotin-responsive basal ganglia disease (PMID: 23482991, 26863430, 28856750). In at least one individual the data is consistent with being in trans (on the opposite chromosome) from a pathogenic variant. ClinVar contains an entry for this variant (Variation ID: 488596). Advanced modeling of protein sequence and biophysical properties (such as structural, functional, and spatial information, amino acid conservation, physicochemical variation, residue mobility, and thermodynamic stability) performed at Invitae indicates that this missense variant is expected to disrupt SLC19A3 protein function with a positive predictive value of 80%. For these reasons, this variant has been classified as Pathogenic.

Institute of Human Genetics Munich, TUM University Hospital
Classification: Pathogenic for Biotin-responsive basal ganglia disease. Last evaluated: 2017-12-11. Review status: criteria provided, single submitter. Criteria: Classification criteria August 2017. Collection method: clinical testing. Allele origin: inherited. Inheritance: Autosomal recessive inheritance. Affected: yes. Observed: 1 homozygote.

Literature cited by the submitters: PubMed 23482991 (cited by Labcorp Genetics (formerly Invitae), Labcorp); PubMed 26863430 (cited by Labcorp Genetics (formerly Invitae), Labcorp); PubMed 28856750 (cited by Labcorp Genetics (formerly Invitae), Labcorp).

NM_025243.4(SLC19A3):c.541T>C (p.Ser181Pro)

Gene: SLC19A3 (solute carrier family 19 member 3; minus strand). Cytogenetic location: 2q36.3.
Variant type: single nucleotide variant.
Coding change: c.541T>C on transcript NM_025243.4 (MANE Select); coding-DNA position 541, T replaced by C.
Protein change: p.Ser181Pro; replaces serine 181 with proline.
Molecular consequence: missense variant.
Genome position (GRCh38, 1-based): chr2:227,699,174, A>G on the plus strand (T>C on the coding strand, the complement: SLC19A3 is on the minus strand). VCF-style: chr2-227699174-A-G. GRCh37 (hg19) VCF-style: chr2-228563890-A-G.
Other names: short protein forms S181P.
Identifiers: ClinVar variation 488596 (VCV000488596.7), dbSNP rs773971505, ClinGen allele CA2149273.